The following is an entry in ClinVar:

NM_021224.6(ZNF462):c.1389A>C (p.Leu463Phe)

Gene: ZNF462 (zinc finger protein 462; plus strand). Cytogenetic location: 9q31.2.
Variant type: single nucleotide variant.
Coding change: c.1389A>C on transcript NM_021224.6 (MANE Select); coding-DNA position 1389, A replaced by C.
Protein change: p.Leu463Phe; replaces leucine 463 with phenylalanine.
Molecular consequence: missense variant.
Genome position (GRCh38, 1-based): chr9:106,925,301, A>C. VCF-style: chr9-106925301-A-C. GRCh37 (hg19) VCF-style: chr9-109687582-A-C.
Other names: c.1389A>C, p.Leu463Phe (NM_001347997.2); short protein forms L463F.
Identifiers: ClinVar variation 4997202 (VCV004997202.1).

ClinVar aggregate classification (germline): Uncertain significance (1 of 4 stars; one submission).

Conditions:
ZNF462-related disorder. Also called: ZNF462-related condition; ZNF462 related disease.

gnomAD v4.1: 1 of 1,614,004 alleles (0.000062%); highest among the groups gnomAD compares: Non-Finnish European, 0.000085%; no homozygotes.

Submission:

PreventionGenetics, part of Exact Sciences
Classification: Uncertain significance for ZNF462-related condition. Last evaluated: 2026-01-05. Review status: criteria provided, single submitter. Criteria: ACMG Guidelines, 2015. Collection method: clinical testing. Allele origin: germline.
Comment: The ZNF462 c.1389A>C variant is predicted to result in the amino acid substitution p.Leu463Phe. To our knowledge, this variant has not been reported in the literature or in a large population database (gnomAD), indicating this variant is rare. At this time, the clinical significance of this variant is uncertain due to the absence of conclusive functional and genetic evidence.